The following is an entry in ClinVar:

NM_018062.4(FANCL):c.903+1_903+2del

Gene: FANCL (FA complementation group L; minus strand). Cytogenetic location: 2p16.1.
Variant type: Deletion.
Coding change: c.903+1_903+2del on transcript NM_018062.4 (MANE Select); the canonical splice donor site of the intron after coding-DNA position 903, 2 bases deleted (GT; older notation c.903+1_903+2delGT).
Molecular consequence: splice donor variant.
Genome position (GRCh38, 1-based): chr2:58,162,864-58,162,865, AC deleted on the plus strand (GT on the coding strand, the reverse complement: FANCL is on the minus strand); deleting any 2 consecutive bases within chr2:58,162,864-58,162,866 gives the same sequence; the c. name uses the placement nearest the transcript's 3' end. VCF-style (leftmost placement, unchanged base first): chr2-58162863-TAC-T. GRCh37 (hg19) VCF-style: chr2-58389998-TAC-T.
Other names: c.948+1_948+2del (NM_001374615.1); c.918+1_918+2del (NM_001114636.2); c.963+1_963+2del (NM_001410792.1).
Identifiers: ClinVar variation 2018512 (VCV002018512.5), dbSNP rs771742741, ClinGen allele CA1670406.

ClinVar aggregate classification (germline): Likely pathogenic. Review status: criteria provided, multiple submitters, no conflicts (2 of 4 stars). 2 submissions from 2 submitters: Likely pathogenic (2). Last evaluated 2026-01-17.

Conditions:
Fanconi anemia complementation group L (FANCL). Also called: FANCL-Related Fanconi Anemia. Identifiers: Orphanet 84, MedGen C3469528, MONDO:0013566, OMIM 614083.
Fanconi anemia (FA). Also called: Fanconi's anemia. Identifiers: Orphanet 84, MedGen C0015625, MeSH D005199, MONDO:0019391.

Submissions (2):

Labcorp Genetics (formerly Invitae), Labcorp
Classification: Likely pathogenic for Fanconi anemia. Last evaluated: 2026-01-17. Review status: criteria provided, single submitter. Criteria: Invitae Variant Classification Sherloc (09022015). Collection method: clinical testing. Allele origin: germline.
Comment: This sequence change affects a splice site in intron 11 of the FANCL gene. It is expected to disrupt RNA splicing. Variants that disrupt the donor or acceptor splice site typically lead to a loss of protein function (PMID: 16199547), and loss-of-function variants in FANCL are known to be pathogenic (PMID: 19405097, 23613520). This variant is present in population databases (rs771742741, gnomAD 0.003%). This variant has not been reported in the literature in individuals affected with FANCL-related conditions. ClinVar contains an entry for this variant (Variation ID: 2018512). Algorithms developed to predict the effect of sequence changes on RNA splicing suggest that this variant may disrupt the consensus splice site. In summary, the currently available evidence indicates that the variant is pathogenic, but additional data are needed to prove that conclusively. Therefore, this variant has been classified as Likely Pathogenic.

Fulgent Genetics
Classification: Likely pathogenic for Fanconi anemia complementation group L. Last evaluated: 2024-04-02. Review status: criteria provided, single submitter. Criteria: ACMG Guidelines, 2015. Collection method: clinical testing. Allele origin: germline.

Literature cited by the submitters: PubMed 16199547 (cited by Labcorp Genetics (formerly Invitae), Labcorp); PubMed 19405097 (cited by Labcorp Genetics (formerly Invitae), Labcorp); PubMed 23613520 (cited by Labcorp Genetics (formerly Invitae), Labcorp).